The following is an entry in ClinVar:

ClinVar aggregate classification (germline): Uncertain significance (1 of 4 stars; one submission).

Conditions:
Epilepsy, progressive myoclonic, 1B. Also called: PME. Identifiers: Orphanet 308, MedGen C2676254, MONDO:0012904, OMIM 612437.

Allele frequency attached by ClinVar (database versions not stated): gnomAD exomes below 0.00001; gnomAD 0.00001; TOPMed 0.00001.
gnomAD v4.1: 3 of 1,614,078 alleles (0.00019%); highest among the groups gnomAD compares: African/African-American, 0.004%; no homozygotes.

Submission:

Labcorp Genetics (formerly Invitae), Labcorp
Classification: Uncertain significance for Epilepsy, progressive myoclonic, 1B. Last evaluated: 2020-09-09. Review status: criteria provided, single submitter. Criteria: Invitae Variant Classification Sherloc (09022015). Collection method: clinical testing. Allele origin: germline.
Comment: In summary, the available evidence is currently insufficient to determine the role of this variant in disease. Therefore, it has been classified as a Variant of Uncertain Significance. Algorithms developed to predict the effect of missense changes on protein structure and function are either unavailable or do not agree on the potential impact of this missense change (SIFT: "Deleterious"; PolyPhen-2: "Benign"; Align-GVGD: "Class C0"). This variant has not been reported in the literature in individuals with PRICKLE1-related conditions. This variant is not present in population databases (ExAC no frequency). This sequence change replaces lysine with threonine at codon 214 of the PRICKLE1 protein (p.Lys214Thr). The lysine residue is highly conserved and there is a moderate physicochemical difference between lysine and threonine.

NM_153026.3(PRICKLE1):c.641A>C (p.Lys214Thr)

Gene: PRICKLE1 (prickle planar cell polarity protein 1; minus strand). Cytogenetic location: 12q12.
Variant type: single nucleotide variant.
Coding change: c.641A>C on transcript NM_153026.3 (MANE Select); coding-DNA position 641, A replaced by C.
Protein change: p.Lys214Thr; replaces lysine 214 with threonine.
Molecular consequence: missense variant.
Genome position (GRCh38, 1-based): chr12:42,466,328, T>G on the plus strand (A>C on the coding strand, the complement: PRICKLE1 is on the minus strand). VCF-style: chr12-42466328-T-G. GRCh37 (hg19) VCF-style: chr12-42860130-T-G.
Other names: c.641A>C, p.Lys214Thr (NM_001144881.2, NM_001144882.2, NM_001144883.2); short protein forms K214T.
Identifiers: ClinVar variation 1026972 (VCV001026972.8), dbSNP rs1178731670, ClinGen allele CA384443509.